The following is an entry in ClinVar:

NM_000053.4(ATP7B):c.-10G>A

Gene: ATP7B (ATPase copper transporting beta; minus strand). Cytogenetic location: 13q14.3.
Variant type: single nucleotide variant.
Coding change: c.-10G>A on transcript NM_000053.4 (MANE Select); 10 bases upstream of the start codon, G replaced by A.
Molecular consequence: 5 prime UTR variant.
Genome position (GRCh38, 1-based): chr13:52,011,347, C>T on the plus strand (G>A on the coding strand, the complement: ATP7B is on the minus strand). VCF-style: chr13-52011347-C-T. GRCh37 (hg19) VCF-style: chr13-52585483-C-T.
Other names: c.-10G>A (NM_001406524.1, NM_001406525.1, NM_001406526.1 and 30 more transcripts); c.-197G>A (NM_001406518.1); c.-139G>A (NM_001406539.1, NM_001406543.1).
Identifiers: ClinVar variation 4758626 (VCV004758626.1).

ClinVar aggregate classification (germline): Uncertain significance (1 of 4 stars; one submission).

Conditions:
Wilson disease (WND). Also called: Wilson's disease. Identifiers: Orphanet 905, MedGen C0019202, MONDO:0010200, OMIM 277900. Disease mechanism: loss of function.

gnomAD v4.1: 8 of 1,614,080 alleles (0.0005%); highest among the groups gnomAD compares: African/African-American, 0.0053%; no homozygotes.

Submission:

Color Diagnostics, LLC DBA Color Health
Classification: Uncertain significance for Wilson disease. Last evaluated: 2023-05-09. Review status: criteria provided, single submitter. Criteria: ACMG Guidelines, 2015. Collection method: clinical testing. Allele origin: germline.
Comment: This variant causes a G to A nucleotide substitution at the -10 position in the 5' untranslated region of the ATP7B gene. To our knowledge, functional studies have not been reported for this variant. This variant has not been reported in individuals affected with ATP7B-related disorders in the literature. This variant has been identified in 3/280744 chromosomes in the general population by the Genome Aggregation Database (gnomAD). The available evidence is insufficient to determine the role of this variant in disease conclusively. Therefore, this variant is classified as a Variant of Uncertain Significance.